The following is an entry in ClinVar:

NM_001457.4(FLNB):c.3733C>T (p.Arg1245Trp)

Gene: FLNB (filamin B; plus strand). Cytogenetic location: 3p14.3.
Variant type: single nucleotide variant.
Coding change: c.3733C>T on transcript NM_001457.4 (MANE Select); coding-DNA position 3733, C replaced by T.
Protein change: p.Arg1245Trp; replaces arginine 1245 with tryptophan.
Molecular consequence: missense variant.
Genome position (GRCh38, 1-based): chr3:58,124,340, C>T. VCF-style: chr3-58124340-C-T. GRCh37 (hg19) VCF-style: chr3-58110067-C-T.
Other names: c.3733C>T (NM_001457.3); c.3733C>T, p.Arg1245Trp (NM_001164317.2, NM_001164318.2, NM_001164319.2); short protein forms R1245W.
Identifiers: ClinVar variation 2196537 (VCV002196537.7), dbSNP rs371186570, ClinGen allele CA2468521.

ClinVar aggregate classification (germline): Conflicting classifications of pathogenicity. Review status: criteria provided, conflicting classifications (1 of 4 stars). 2 submissions from 2 submitters: Uncertain significance (1); Likely benign (1). Last evaluated 2026-01-26.

Conditions:
Inborn genetic diseases. Identifiers: MedGen C0950123, MeSH D030342.

Allele frequency attached by ClinVar (database versions not stated): gnomAD 0.00001; ExAC 0.00002; gnomAD exomes 0.00002; TOPMed 0.00002; ESP Exome Variant Server 0.00008.
gnomAD v4.1: 38 of 1,614,008 alleles (0.0024%); highest among the groups gnomAD compares: African/African-American, 0.0053%; no homozygotes.

Submissions (2):

Ambry Genetics
Classification: Uncertain significance for Inborn genetic diseases. Last evaluated: 2026-01-26. Review status: criteria provided, single submitter. Criteria: Ambry Variant Classification Scheme 2023. Collection method: clinical testing. Allele origin: germline.
Comment: The c.3733C>T (p.R1245W) alteration is located in exon 22 (coding exon 22) of the FLNB gene. This alteration results from a C to T substitution at nucleotide position 3733, causing the arginine (R) at amino acid position 1245 to be replaced by a tryptophan (W). Based on data from gnomAD, the T allele has an overall frequency of 0.003% (8/251342) total alleles studied. The highest observed frequency was 0.009% (3/34592) of Latino alleles. Based on insufficient or conflicting evidence, the clinical significance of this alteration remains unclear.

Labcorp Genetics (formerly Invitae), Labcorp
Classification: Likely benign. Last evaluated: 2026-01-11. Review status: criteria provided, single submitter. Criteria: Invitae Variant Classification Sherloc (09022015). Collection method: clinical testing. Allele origin: germline.